The following is an entry in ClinVar:

NM_000214.3(JAG1):c.886+7C>T

Gene: JAG1 (jagged canonical Notch ligand 1; minus strand). Cytogenetic location: 20p12.2.
Variant type: single nucleotide variant.
Coding change: c.886+7C>T on transcript NM_000214.3 (MANE Select); 7 bases into the intron after coding-DNA position 886, C replaced by T.
Molecular consequence: intron variant.
Genome position (GRCh38, 1-based): chr20:10,652,461, G>A on the plus strand (C>T on the coding strand, the complement: JAG1 is on the minus strand). VCF-style: chr20-10652461-G-A. GRCh37 (hg19) VCF-style: chr20-10633109-G-A.
Identifiers: ClinVar variation 4988166 (VCV004988166.1).

ClinVar aggregate classification (germline): Likely benign (1 of 4 stars; one submission).

Conditions:
JAG1-related disorder. Also called: JAG1-related condition; JAG1-related disorders.

gnomAD v4.1: 1 of 1,614,020 alleles (0.000062%); highest among the groups gnomAD compares: Admixed American, 0.0017%; no homozygotes.

Submission:

PreventionGenetics, part of Exact Sciences
Classification: Likely benign for JAG1-related condition. Last evaluated: 2026-04-30. Review status: criteria provided, single submitter. Criteria: ACMG Guidelines, 2015. Collection method: clinical testing. Allele origin: germline.
Comment: This variant is classified as likely benign based on ACMG/AMP sequence variant interpretation guidelines (Richards et al. 2015 PMID: 25741868, with internal and published modifications).